The following is an entry in ClinVar:

NM_172362.3(KCNH1):c.2171A>T (p.Lys724Met)

Gene: KCNH1 (potassium voltage-gated channel subfamily H member 1; minus strand). Cytogenetic location: 1q32.2.
Variant type: single nucleotide variant.
Coding change: c.2171A>T on transcript NM_172362.3 (MANE Select); coding-DNA position 2171, A replaced by T.
Protein change: p.Lys724Met; replaces lysine 724 with methionine.
Molecular consequence: missense variant.
Genome position (GRCh38, 1-based): chr1:210,684,080, T>A on the plus strand (A>T on the coding strand, the complement: KCNH1 is on the minus strand). VCF-style: chr1-210684080-T-A. GRCh37 (hg19) VCF-style: chr1-210857422-T-A.
Other names: c.2090A>T, p.Lys697Met (NM_002238.4); short protein forms K724M, K697M.
Identifiers: ClinVar variation 2302601 (VCV002302601.6), dbSNP rs756028477, ClinGen allele CA37111575.

ClinVar aggregate classification (germline): Uncertain significance. Review status: criteria provided, multiple submitters, no conflicts (2 of 4 stars). 2 submissions from 2 submitters: Uncertain significance (2). Last evaluated 2025-08-27.

Conditions:
Inborn genetic diseases. Identifiers: MedGen C0950123, MeSH D030342.

Allele frequency attached by ClinVar (database versions not stated): TOPMed 0.00001; gnomAD exomes 0.00005.
gnomAD v4.1: 62 of 1,519,028 alleles (0.0041%); highest among the groups gnomAD compares: Non-Finnish European, 0.0054%; no homozygotes.

Submissions (2):

Ambry Genetics
Classification: Uncertain significance for Inborn genetic diseases. Last evaluated: 2025-08-27. Review status: criteria provided, single submitter. Criteria: Ambry Variant Classification Scheme 2023. Collection method: clinical testing. Allele origin: germline.

Labcorp Genetics (formerly Invitae), Labcorp
Classification: Uncertain significance. Last evaluated: 2024-07-06. Review status: criteria provided, single submitter. Criteria: Invitae Variant Classification Sherloc (09022015). Collection method: clinical testing. Allele origin: germline.
Comment: This sequence change replaces lysine, which is basic and polar, with methionine, which is neutral and non-polar, at codon 724 of the KCNH1 protein (p.Lys724Met). This variant is present in population databases (rs756028477, gnomAD 0.002%). This variant has not been reported in the literature in individuals affected with KCNH1-related conditions. ClinVar contains an entry for this variant (Variation ID: 2302601). Advanced modeling of protein sequence and biophysical properties (such as structural, functional, and spatial information, amino acid conservation, physicochemical variation, residue mobility, and thermodynamic stability) performed at Invitae indicates that this missense variant is not expected to disrupt KCNH1 protein function with a negative predictive value of 95%. In summary, the available evidence is currently insufficient to determine the role of this variant in disease. Therefore, it has been classified as a Variant of Uncertain Significance.